The following is an entry in ClinVar:

NM_000400.4(ERCC2):c.1891C>G (p.Arg631Gly)

Gene: ERCC2 (ERCC excision repair 2, TFIIH core complex helicase subunit; minus strand). Cytogenetic location: 19q13.32.
Variant type: single nucleotide variant.
Coding change: c.1891C>G on transcript NM_000400.4 (MANE Select); coding-DNA position 1891, C replaced by G.
Protein change: p.Arg631Gly; replaces arginine 631 with glycine.
Molecular consequence: missense variant.
Genome position (GRCh38, 1-based): chr19:45,352,757, G>C on the plus strand (C>G on the coding strand, the complement: ERCC2 is on the minus strand). VCF-style: chr19-45352757-G-C. GRCh37 (hg19) VCF-style: chr19-45856015-G-C.
Other names: short protein forms R631G.
Identifiers: ClinVar variation 1900271 (VCV001900271.5), dbSNP rs144511865, ClinGen allele CA406363710.

ClinVar aggregate classification (germline): Uncertain significance (1 of 4 stars; one submission).

gnomAD v4.1: 5 of 1,613,944 alleles (0.00031%); highest among the groups gnomAD compares: Non-Finnish European, 0.00034%; no homozygotes.

Submission:

Labcorp Genetics (formerly Invitae), Labcorp
Classification: Uncertain significance. Last evaluated: 2024-10-16. Review status: criteria provided, single submitter. Criteria: Invitae Variant Classification Sherloc (09022015). Collection method: clinical testing. Allele origin: germline.
Comment: This sequence change replaces arginine, which is basic and polar, with glycine, which is neutral and non-polar, at codon 631 of the ERCC2 protein (p.Arg631Gly). This variant is not present in population databases (gnomAD no frequency). This variant has not been reported in the literature in individuals affected with ERCC2-related conditions. ClinVar contains an entry for this variant (Variation ID: 1900271). Invitae Evidence Modeling of protein sequence and biophysical properties (such as structural, functional, and spatial information, amino acid conservation, physicochemical variation, residue mobility, and thermodynamic stability) indicates that this missense variant is expected to disrupt ERCC2 protein function with a positive predictive value of 80%. In summary, the available evidence is currently insufficient to determine the role of this variant in disease. Therefore, it has been classified as a Variant of Uncertain Significance.